The following is an entry in ClinVar:

NM_015089.4(CUL9):c.2052C>T (p.Val684=)

Gene: CUL9 (cullin 9; plus strand). Cytogenetic location: 6p21.1.
Variant type: single nucleotide variant.
Coding change: c.2052C>T on transcript NM_015089.4 (MANE Select); coding-DNA position 2052, C replaced by T.
Protein change: p.Val684=; no amino-acid change (valine 684 retained).
Molecular consequence: synonymous variant.
Genome position (GRCh38, 1-based): chr6:43,188,587, C>T. VCF-style: chr6-43188587-C-T. GRCh37 (hg19) VCF-style: chr6-43156325-C-T.
Identifiers: ClinVar variation 3044396 (VCV003044396.2), dbSNP rs141369784, ClinGen allele CA3817449.

ClinVar aggregate classification (germline): Likely benign (0 of 4 stars; one submission).

Conditions:
CUL9-related disorder. Also called: CUL9-related condition.

Allele frequency attached by ClinVar (database versions not stated): 1000 Genomes Project 30x 0.00016; 1000 Genomes Project 0.00020; TOPMed 0.00156; ExAC 0.00160; gnomAD 0.00168; ESP Exome Variant Server 0.00208.
gnomAD v4.1: 3,752 of 1,614,154 alleles (0.23%); highest among the groups gnomAD compares: Non-Finnish European, 0.28%; 8 homozygotes.

Submission:

PreventionGenetics, part of Exact Sciences
Classification: Likely benign for CUL9-related condition. Last evaluated: 2019-05-31. Review status: no assertion criteria provided. Collection method: clinical testing. Allele origin: germline.
Comment: This variant is classified as likely benign based on ACMG/AMP sequence variant interpretation guidelines (Richards et al. 2015 PMID: 25741868, with internal and published modifications).